The following is an entry in ClinVar:

ClinVar aggregate classification (germline): Likely pathogenic (1 of 4 stars; one submission).

Conditions:
Cutis laxa with severe pulmonary, gastrointestinal and urinary anomalies. Also called: URBAN-RIFKIN-DAVIS SYNDROME; Cutis laxa, autosomal recessive, type IC; LTBP4-Related Cutis Laxa. Identifiers: Orphanet 221145, MedGen C2750804, MONDO:0013170, OMIM 613177. Disease mechanism: loss of function.

Allele frequency attached by ClinVar (database versions not stated): gnomAD exomes below 0.00001.
gnomAD v4.1: 2 of 1,609,900 alleles (0.00012%); highest among the groups gnomAD compares: Non-Finnish European, 0.00017%; no homozygotes.

Submission:

Laboratorio de Genetica e Diagnostico Molecular, Hospital Israelita Albert Einstein
Classification: Likely pathogenic for Cutis laxa with severe pulmonary, gastrointestinal and urinary anomalies. Last evaluated: 2022-03-10. Review status: criteria provided, single submitter. Criteria: ACMG Guidelines, 2015. Collection method: clinical testing. Allele origin: germline. Affected: yes.
Comment: ACMG classification criteria: PVS1 very strong, PM2 moderated

NM_001042545.2(LTBP4):c.3298C>T (p.Arg1100Ter)

Gene: LTBP4 (latent transforming growth factor beta binding protein 4; plus strand). Cytogenetic location: 19q13.2.
Variant type: single nucleotide variant.
Coding change: c.3298C>T on transcript NM_001042545.2 (MANE Select); coding-DNA position 3298, C replaced by T.
Protein change: p.Arg1100Ter; replaces arginine 1100 with a stop codon.
Molecular consequence: nonsense.
Genome position (GRCh38, 1-based): chr19:40,622,481, C>T. VCF-style: chr19-40622481-C-T. GRCh37 (hg19) VCF-style: chr19-41128386-C-T.
Other names: c.3499C>T, p.Arg1167Ter (NM_001042544.1); c.3388C>T, p.Arg1130Ter (NM_003573.2); short protein forms R1100*, R1130*, R1167*.
Identifiers: ClinVar variation 2431458 (VCV002431458.2), dbSNP rs2081592972, ClinGen allele CA405905527.